The following is an entry in ClinVar:

NM_020719.3(PRR12):c.3350A>T (p.Asn1117Ile)

Gene: PRR12 (proline rich 12; plus strand). Cytogenetic location: 19q13.33.
Variant type: single nucleotide variant.
Coding change: c.3350A>T on transcript NM_020719.3 (MANE Select); coding-DNA position 3350, A replaced by T.
Protein change: p.Asn1117Ile; replaces asparagine 1117 with isoleucine.
Molecular consequence: missense variant.
Genome position (GRCh38, 1-based): chr19:49,597,685, A>T. VCF-style: chr19-49597685-A-T. GRCh37 (hg19) VCF-style: chr19-50100942-A-T.
Other names: short protein forms N1117I.
Identifiers: ClinVar variation 4755999 (VCV004755999.1).

ClinVar aggregate classification (germline): Uncertain significance (1 of 4 stars; one submission).

Submission:

GeneDx
Classification: Uncertain significance. Last evaluated: 2025-08-06. Review status: criteria provided, single submitter. Criteria: GeneDx Variant Classification Process June 2021. Collection method: clinical testing. Allele origin: germline. Affected: yes.
Comment: Not observed at significant frequency in large population cohorts (gnomAD); In silico analysis supports that this missense variant has a deleterious effect on protein structure/function; Has not been previously published as pathogenic or benign to our knowledge